The following is an entry in ClinVar:

NM_003265.3(TLR3):c.1688A>G (p.His563Arg)

Gene: TLR3 (toll like receptor 3; plus strand). Cytogenetic location: 4q35.1.
Variant type: single nucleotide variant.
Coding change: c.1688A>G on transcript NM_003265.3 (MANE Select); coding-DNA position 1688, A replaced by G.
Protein change: p.His563Arg; replaces histidine 563 with arginine.
Molecular consequence: missense variant.
Genome position (GRCh38, 1-based): chr4:186,083,374, A>G. VCF-style: chr4-186083374-A-G. GRCh37 (hg19) VCF-style: chr4-187004528-A-G.
Other names: short protein forms H563R.
Identifiers: ClinVar variation 3717626 (VCV003717626.2).

ClinVar aggregate classification (germline): Uncertain significance (1 of 4 stars; one submission).

Conditions:
Encephalopathy, acute, infection-induced (herpes-specific), susceptibility to, 1. Also called: Herpes simplex encephalitis, susceptibility to, 1. Identifiers: Orphanet 1930, MedGen C2750180, MONDO:0024563, OMIM 610551.

Submission:

Labcorp Genetics (formerly Invitae), Labcorp
Classification: Uncertain significance for Encephalopathy, acute, infection-induced (herpes-specific), susceptibility to, 1. Last evaluated: 2024-06-19. Review status: criteria provided, single submitter. Criteria: Invitae Variant Classification Sherloc (09022015). Collection method: clinical testing. Allele origin: germline.
Comment: This sequence change replaces histidine, which is basic and polar, with arginine, which is basic and polar, at codon 563 of the TLR3 protein (p.His563Arg). This variant is not present in population databases (gnomAD no frequency). This variant has not been reported in the literature in individuals affected with TLR3-related conditions. Algorithms developed to predict the effect of missense changes on protein structure and function output the following: SIFT: "Not Available"; PolyPhen-2: "Benign"; Align-GVGD: "Not Available". The arginine amino acid residue is found in multiple mammalian species, which suggests that this missense change does not adversely affect protein function. In summary, the available evidence is currently insufficient to determine the role of this variant in disease. Therefore, it has been classified as a Variant of Uncertain Significance.